The following is an entry in ClinVar:

NM_001377.3(DYNC2H1):c.8150T>A (p.Phe2717Tyr)

Gene: DYNC2H1 (dynein cytoplasmic 2 heavy chain 1; plus strand). Cytogenetic location: 11q22.3.
Variant type: single nucleotide variant.
Coding change: c.8150T>A on transcript NM_001377.3 (MANE Select); coding-DNA position 8150, T replaced by A.
Protein change: p.Phe2717Tyr; replaces phenylalanine 2717 with tyrosine.
Molecular consequence: missense variant.
Genome position (GRCh38, 1-based): chr11:103,200,107, T>A. VCF-style: chr11-103200107-T-A. GRCh37 (hg19) VCF-style: chr11-103070836-T-A.
Other names: c.8150T>A, p.Phe2717Tyr (NM_001080463.2); short protein forms F2717Y.
Identifiers: ClinVar variation 1338192 (VCV001338192.4), dbSNP rs2135082253, ClinGen allele CA382257192.

ClinVar aggregate classification (germline): Uncertain significance (1 of 4 stars; one submission).

Allele frequency attached by ClinVar (database versions not stated): gnomAD exomes below 0.00001.
gnomAD v4.1: 1 of 1,589,888 alleles (0.000063%); highest among the groups gnomAD compares: South Asian, 0.0012%; no homozygotes.

Submission:

Genetic Services Laboratory, University of Chicago
Classification: Uncertain significance. Last evaluated: 2021-12-15. Review status: criteria provided, single submitter. Criteria: ACMG Guidelines, 2015. Collection method: clinical testing. Allele origin: germline. Affected: no.
Comment: DNA sequence analysis of the DYNC2H1 gene demonstrated a sequence change, c.8150T>A, in exon 50 that results in an amino acid change, p.Phe2717Tyr. This sequence change does not appear to have been previously described in individuals with DYNC2H1-related disorders and has also not been described in population databases such as ExAC and gnomAD. The p.Phe2717Tyr change affects a highly conserved amino acid residue located in a domain of the DYNC2H1 protein that is known to be functional. In-silico pathogenicity prediction tools (SIFT, PolyPhen2, Align GVGD, REVEL) provide contradictory results for the p.Phe2717Tyr substitution. Due to insufficient evidences and the lack of functional studies, the clinical significance of the p.Phe2717Tyr change remains unknown at this time.